The following is an entry in ClinVar:

ClinVar aggregate classification (germline): Uncertain significance (1 of 4 stars; one submission).

Submission:

Labcorp Genetics (formerly Invitae), Labcorp
Classification: Uncertain significance. Last evaluated: 2022-04-04. Review status: criteria provided, single submitter. Criteria: Invitae Variant Classification Sherloc (09022015). Collection method: clinical testing. Allele origin: germline.
Comment: In summary, the available evidence is currently insufficient to determine the role of this variant in disease. Therefore, it has been classified as a Variant of Uncertain Significance. Variants that disrupt the consensus splice site are a relatively common cause of aberrant splicing (PMID: 17576681, 9536098). Algorithms developed to predict the effect of sequence changes on RNA splicing suggest that this variant is not likely to affect RNA splicing. ClinVar contains an entry for this variant (Variation ID: 1055664). This variant has not been reported in the literature in individuals affected with MYO7A-related conditions. This variant is not present in population databases (gnomAD no frequency). This sequence change falls in intron 23 of the MYO7A gene. It does not directly change the encoded amino acid sequence of the MYO7A protein. It affects a nucleotide within the consensus splice site.

Literature cited by the submitters: PubMed 17576681; PubMed 9536098.

NM_000260.4(MYO7A):c.2904+5C>T

Gene: MYO7A (myosin VIIA; plus strand). Cytogenetic location: 11q13.5.
Variant type: single nucleotide variant.
Coding change: c.2904+5C>T on transcript NM_000260.4 (MANE Select); 5 bases into the intron after coding-DNA position 2904, C replaced by T.
Molecular consequence: intron variant.
Genome position (GRCh38, 1-based): chr11:77,181,594, C>T. VCF-style: chr11-77181594-C-T. GRCh37 (hg19) VCF-style: chr11-76892640-C-T.
Other names: c.2871+5C>T (NM_001369365.1); c.2904+5C>T (NM_001127180.2).
Identifiers: ClinVar variation 1055664 (VCV001055664.10), dbSNP rs2135487939, ClinGen allele CA2499221319.